The following is an entry in ClinVar:

ClinVar aggregate classification (germline): Pathogenic/Likely pathogenic. Review status: criteria provided, multiple submitters, no conflicts (2 of 4 stars). 7 submissions from 7 submitters: Pathogenic (5); Likely pathogenic (1). 1 of the submissions does not count toward it. Last evaluated 2026-04-30.

Conditions:
Rare genetic deafness. Identifiers: Orphanet 96210, MedGen C5680250.
LRTOMT-related disorders.
Autosomal recessive nonsyndromic hearing loss 63. Identifiers: Orphanet 90636, MedGen C1969621, MONDO:0012670, OMIM 611451.

Allele frequency attached by ClinVar (database versions not stated): gnomAD exomes 0.00003; TOPMed 0.00003; gnomAD 0.00001.
gnomAD v4.1: 63 of 1,549,212 alleles (0.0041%); highest among the groups gnomAD compares: Middle Eastern, 0.017%; no homozygotes.

Submissions (7):

Laboratory of Molecular, Cellular and Translation Genetics in Otolaryngology/ Lim32-hcfmusp, University of Sao Paulo School of Medicine Clinics Hospital
Classification: Likely pathogenic for Autosomal recessive nonsyndromic hearing loss 63. Last evaluated: 2026-04-30. Review status: criteria provided, single submitter. Criteria: ACMG Guidelines, 2015. Collection method: research. Allele origin: germline. Affected: yes.
Comment: NM_001145308.5:c.242G>A:p.(Arg81Gln). This variant has been classified as likely pathogenic. It is rare in population databases (PM2_supporting), and in silico prediction tools support a deleterious effect on protein function (PP3_moderate). It has been previously reported in trans with other pathogenic LRTOMT variants (PM3; see PMID below) and has been shown to segregate with hearing loss in affected families (PP1). These findings further support the causative role of this variant in autosomal recessive hearing loss as described in PMID: 42233699.

Blueprint Genetics
Classification: Pathogenic for LRTOMT-related disorders. Last evaluated: 2024-07-24. Review status: criteria provided, single submitter. Criteria: ACMG Guidelines, 2015. Collection method: clinical testing. Allele origin: germline. Affected: yes. Observed: 5 variant alleles.

Dasa
Classification: Pathogenic. Last evaluated: 2024-06-24. Review status: criteria provided, single submitter. Criteria: DASA Assertion Criteria. Collection method: clinical testing. Allele origin: germline.
Comment: NM_001145308.5(LRTOMT):c.242G>A (p.Arg81Gln) is a missense variant that results in the substitution of arginine with glutamine. This variant has been recurrently observed in individuals with related phenotype (PMID: 18953341; PMID: 34514748). Segregation evidence has been reported in affected families. The variant is present at low frequency in population datasets. Based on the available data, this variant is classified as pathogenic.

MGZ Medical Genetics Center
Classification: Pathogenic for Autosomal recessive nonsyndromic hearing loss 63. Last evaluated: 2022-07-29. Review status: criteria provided, single submitter. Criteria: ACMG Guidelines, 2015. Collection method: clinical testing. Allele origin: germline. Affected: yes. Observed: 1 variant allele.
Comment: ACMG criteria applied: PM3_STR, PP1_STR, PM2_SUP, PP3

3billion
Classification: Pathogenic for Autosomal recessive nonsyndromic hearing loss 63. Last evaluated: 2022-01-03. Review status: criteria provided, single submitter. Criteria: ACMG Guidelines, 2015. Collection method: clinical testing. Allele origin: germline. Affected: yes. Observed: 1 homozygote.
Comment: The variant was co-segregated with Deafness, autosomal recessive 63 in multiple affected family members with additional meioses meeting strong evidence levels (PMID: 18953341, PP1_S). It has been reported to be in trans as homozygous in at least one similarly affected unrelated individual (PMID: 18953341,PM3_P). A different missense change at the same codon has been reported to be associated with LRTOMT related disorder (PMID:22903915, PM5_P). In silico tool predictions suggest damaging effect of the variant on gene or gene product (REVEL: 0.701, PP3_P). It is observed at an extremely low frequency in the gnomAD v2.1.1 dataset (total allele frequency: 0.000026, PM2_M). Therefore, this variant is classified as pathogenic according to the recommendation of ACMG/AMP guideline.

Laboratory for Molecular Medicine, Mass General Brigham Personalized Medicine
Classification: Pathogenic for Rare genetic deafness. Last evaluated: 2018-08-09. Review status: criteria provided, single submitter. Criteria: LMM Criteria. Collection method: clinical testing. Allele origin: germline. Inheritance: Autosomal recessive inheritance. Observed: 2 variant alleles.
Comment: The p.Arg81Gln variant in LRTOMT has been reported in 16 North African (Tunisian and Moroccan) probands with hearing loss, and segregated with hearing loss in > 20 family members, all of whom were homozygous for the variant (Ahmed 2008, Char if 2008). The variant was detected in 5/430 (1.2%) ethnically matched control ch romosomes, however its frequency in the probands (13.8%, 32/232 chromosomes) is significantly higher, which supports a causative role for the variant, and sugge sts that the variant may represent a founder mutation in these populations. In a ddition, computational prediction tools and conservation analyses suggest that t his variant may impact the protein. The variant has also been identified in 3/57 674 European chromosomes by the genome Aggregation Database (gnomAD). In summary, this variant meets criteria to be classifie d as pathogenic for hearing loss in an autosomal recessive manner based upon seg regation studies and enrichment in cases. ACMG/AMP criteria applied: PS4, PP1_St rong, PP3.

OMIM
Classification: Pathogenic for DEAFNESS, AUTOSOMAL RECESSIVE 63. Last evaluated: 2008-11-01. Review status: no assertion criteria provided. Collection method: literature only. Allele origin: germline. Not counted in ClinVar's aggregate classification.

Literature cited by the submitters: PubMed 23053991 (cited by Laboratory of Molecular, Cellular and Translation Genetics in Otolaryngology/ Lim32-hcfmusp, University of Sao Paulo School of Medicine Clinics Hospital and Laboratory for Molecular Medicine, Mass General Brigham Personalized Medicine); PubMed 30730013 (cited by Laboratory of Molecular, Cellular and Translation Genetics in Otolaryngology/ Lim32-hcfmusp, University of Sao Paulo School of Medicine Clinics Hospital); PubMed 34514748 (cited by Laboratory of Molecular, Cellular and Translation Genetics in Otolaryngology/ Lim32-hcfmusp, University of Sao Paulo School of Medicine Clinics Hospital and Dasa); PubMed 42233699 (cited by Laboratory of Molecular, Cellular and Translation Genetics in Otolaryngology/ Lim32-hcfmusp, University of Sao Paulo School of Medicine Clinics Hospital); PubMed 18953341 (cited by 4 submitters); PubMed 22903915 (cited by 3billion); PubMed 22908982 (cited by Laboratory for Molecular Medicine, Mass General Brigham Personalized Medicine).

NM_001145308.5(LRTOMT):c.242G>A (p.Arg81Gln)

Genes: LRTOMT (leucine rich transmembrane and O-methyltransferase domain containing; plus strand), TOMT (transmembrane O-methyltransferase; plus strand). Cytogenetic location: 11q13.4.
Variant type: single nucleotide variant.
Coding change: c.242G>A on transcript NM_001145308.5; coding-DNA position 242, G replaced by A.
Protein change: p.Arg81Gln; replaces arginine 81 with glutamine.
Molecular consequence: missense variant.
Genome position (GRCh38, 1-based): chr11:72,106,094, G>A. VCF-style: chr11-72106094-G-A. GRCh37 (hg19) VCF-style: chr11-71817140-G-A.
Other names: c.143G>A, p.Arg48Gln (NM_001393500.2); c.242G>A, p.Arg81Gln (NM_001145309.4); c.122G>A, p.Arg41Gln (NM_001145310.4); short protein forms R81Q, R41Q, R48Q.
Identifiers: ClinVar variation 543 (VCV000000543.11), dbSNP rs137853185, ClinGen allele CA251495.